The following is an entry in ClinVar:

NM_004174.4(SLC9A3):c.133G>A (p.Val45Ile)

Gene: SLC9A3 (solute carrier family 9 member A3). Cytogenetic location: 5p15.33.
Variant type: single nucleotide variant.
Coding change: c.133G>A on transcript NM_004174.4 (MANE Select); coding-DNA position 133, G replaced by A.
Protein change: p.Val45Ile; replaces valine 45 with isoleucine.
Molecular consequence: missense variant.
Genome position (GRCh38, 1-based): chr5:524,190, C>T on the plus strand (G>A on the coding strand, the complement: SLC9A3 is on the minus strand). VCF-style: chr5-524190-C-T. GRCh37 (hg19) VCF-style: chr5-524305-C-T.
Other names: c.133G>A, p.Val45Ile (NM_001284351.3); short protein forms V45I.
Identifiers: ClinVar variation 1486369 (VCV001486369.6), dbSNP rs1733966738, ClinGen allele CA359018264.

ClinVar aggregate classification (germline): Uncertain significance (1 of 4 stars; one submission).

Allele frequency attached by ClinVar (database versions not stated): gnomAD 0.00001.

Submission:

Labcorp Genetics (formerly Invitae), Labcorp
Classification: Uncertain significance. Last evaluated: 2020-11-03. Review status: criteria provided, single submitter. Criteria: Invitae Variant Classification Sherloc (09022015). Collection method: clinical testing. Allele origin: germline.
Comment: This sequence change replaces valine with isoleucine at codon 45 of the SLC9A3 protein (p.Val45Ile). The valine residue is moderately conserved and there is a small physicochemical difference between valine and isoleucine. This variant is not present in population databases (ExAC no frequency). This variant has not been reported in the literature in individuals with SLC9A3-related conditions. Algorithms developed to predict the effect of missense changes on protein structure and function are either unavailable or do not agree on the potential impact of this missense change (SIFT: "Not Available"; PolyPhen-2: "Probably Damaging"; Align-GVGD: "Not Available"). In summary, the available evidence is currently insufficient to determine the role of this variant in disease. Therefore, it has been classified as a Variant of Uncertain Significance.